The following is an entry in ClinVar:

NC_000003.12:g.(?_81591027)_(81594033_?)del

Gene: GBE1 (1,4-alpha-glucan branching enzyme 1; minus strand). Cytogenetic location: 3p12.2.
Variant type: Deletion.
Identifiers: ClinVar variation 830797 (VCV000830797.5).

ClinVar aggregate classification (germline): Pathogenic (1 of 4 stars; one submission).

Conditions:
Glycogen storage disease, type IV (GSD4). Also called: Glycogen storage disease due to glycogen branching enzyme deficiency; AMYLOPECTINOSIS; ANDERSEN DISEASE; BRANCHER DEFICIENCY; CIRRHOSIS, FAMILIAL, WITH DEPOSITION OF ABNORMAL GLYCOGEN; GBE1 DEFICIENCY. Identifiers: Orphanet 367, MedGen C0017923, MONDO:0009292, OMIM 232500.
Glycogen storage disease IV, classic hepatic. Also called: GSD IV, CLASSIC HEPATIC. Identifiers: MedGen C1856301.

Submission:

Labcorp Genetics (formerly Invitae), Labcorp
Classification: Pathogenic for Glycogen storage disease, type IV; Glycogen storage disease IV, classic hepatic. Last evaluated: 2019-02-15. Review status: criteria provided, single submitter. Criteria: Invitae Variant Classification Sherloc (09022015). Collection method: clinical testing. Allele origin: germline.
Comment: For these reasons, this variant has been classified as Pathogenic. Loss-of-function variants in GBE1 are known to be pathogenic (PMID: 9851430, 15452297, 20058079, 23034915). This variant has not been reported in the literature in individuals with GBE1-related conditions. This variant is an out-of-frame deletion of the genomic region encompassing exons 8-9 of the GBE1 gene. This is expected to create a premature translational stop signal and result in an absent or disrupted protein product.

Literature cited by the submitters: PubMed 9851430; PubMed 15452297; PubMed 20058079; PubMed 23034915.